The following is an entry in ClinVar:

ClinVar aggregate classification (germline): Uncertain significance (1 of 4 stars; one submission).

Conditions:
Hereditary cancer-predisposing syndrome. Also called: Neoplastic Syndromes, Hereditary; Tumor predisposition; Hereditary Cancer Syndrome; Hereditary neoplastic syndrome. Identifiers: Orphanet 140162, MedGen C0027672, MeSH D009386, MONDO:0015356.

Submission:

Ambry Genetics
Classification: Uncertain significance for Hereditary cancer-predisposing syndrome. Last evaluated: 2022-03-08. Review status: criteria provided, single submitter. Criteria: Ambry Variant Classification Scheme 2023. Collection method: clinical testing. Allele origin: germline.
Comment: The p.K563N variant (also known as c.1689G>T), located in coding exon 5 of the PALB2 gene, results from a G to T substitution at nucleotide position 1689. The lysine at codon 563 is replaced by asparagine, an amino acid with similar properties. This amino acid position is well conserved in available vertebrate species. In addition, this alteration is predicted to be tolerated by in silico analysis. Since supporting evidence is limited at this time, the clinical significance of this alteration remains unclear.

NM_024675.4(PALB2):c.1689G>T (p.Lys563Asn)

Gene: PALB2 (partner and localizer of BRCA2; minus strand). Cytogenetic location: 16p12.2.
Variant type: single nucleotide variant.
Coding change: c.1689G>T on transcript NM_024675.4 (MANE Select); coding-DNA position 1689, G replaced by T.
Protein change: p.Lys563Asn; replaces lysine 563 with asparagine.
Molecular consequence: missense variant.
Genome position (GRCh38, 1-based): chr16:23,630,465, C>A on the plus strand (G>T on the coding strand, the complement: PALB2 is on the minus strand). VCF-style: chr16-23630465-C-A. GRCh37 (hg19) VCF-style: chr16-23641786-C-A.
Other names: c.1629G>T, p.Lys543Asn (NM_001407296.1); c.1689G>T, p.Lys563Asn (NM_001407297.1, NM_001407298.1, NM_001407299.1 and 3 more transcripts); c.804G>T, p.Lys268Asn (NM_001407304.1, NM_001407305.1, NM_001407306.1 and 5 more transcripts); c.-100G>T (NM_001407312.1, NM_001407313.1); short protein forms K268N, K563N, K543N.
Identifiers: ClinVar variation 1778085 (VCV001778085.2), dbSNP rs2142391318, ClinGen allele CA395128480.